The following is an entry in ClinVar:

ClinVar aggregate classification (germline): Pathogenic (1 of 4 stars; one submission).

Submission:

Labcorp Genetics (formerly Invitae), Labcorp
Classification: Pathogenic. Last evaluated: 2024-01-11. Review status: criteria provided, single submitter. Criteria: Invitae Variant Classification Sherloc (09022015). Collection method: clinical testing. Allele origin: unknown.
Comment: This variant is a gross deletion of the genomic region encompassing exon(s) 6 of the POLH gene. This deletion is out-of-frame, and is expected to create a premature termination codon and result in an absent or disrupted protein product. Loss-of-function variants in POLH are known to be pathogenic (PMID: 11773631, 24130121, 25256075). A similar copy number variant has been observed in individual(s) with xeroderma pigmentosum (PMID: 23651273). For these reasons, this variant has been classified as Pathogenic.

Literature cited by the submitters: PubMed 11773631; PubMed 24130121; PubMed 25256075; PubMed 23651273.

NC_000006.11:g.(?_43568705)_(43568848_?)del

Gene: POLH (DNA polymerase eta; plus strand). Cytogenetic location: 6p21.1.
Variant type: Deletion.
Identifiers: ClinVar variation 3246204 (VCV003246204.1).